The following is an entry in ClinVar:

NM_000088.4(COL1A1):c.1354-13C>A

Gene: COL1A1 (collagen type I alpha 1 chain; minus strand). Cytogenetic location: 17q21.33.
Variant type: single nucleotide variant.
Coding change: c.1354-13C>A on transcript NM_000088.4 (MANE Select); 13 bases into the intron before coding-DNA position 1354, C replaced by A.
Molecular consequence: intron variant.
Genome position (GRCh38, 1-based): chr17:50,194,841, G>T on the plus strand (C>A on the coding strand, the complement: COL1A1 is on the minus strand). VCF-style: chr17-50194841-G-T. GRCh37 (hg19) VCF-style: chr17-48272202-G-T.
Identifiers: ClinVar variation 1499961 (VCV001499961.6), dbSNP rs372034810, ClinGen allele CA2573154190.

ClinVar aggregate classification (germline): Uncertain significance (1 of 4 stars; one submission).

Conditions:
Osteogenesis imperfecta type I (OI1). Also called: Lobstein disease; Osteogenesis imperfecta type 1; OI, TYPE I; OSTEOGENESIS IMPERFECTA TARDA; OSTEOGENESIS IMPERFECTA WITH BLUE SCLERAE; Lobstein's Disease. Identifiers: Orphanet 216796, Orphanet 666, MedGen C0023931, MONDO:0008146, OMIM 166200. Disease mechanism: loss of function.

Submission:

Labcorp Genetics (formerly Invitae), Labcorp
Classification: Uncertain significance for Osteogenesis imperfecta type I. Last evaluated: 2025-03-06. Review status: criteria provided, single submitter. Criteria: Invitae Variant Classification Sherloc (09022015). Collection method: clinical testing. Allele origin: germline.
Comment: This sequence change falls in intron 20 of the COL1A1 gene. It does not directly change the encoded amino acid sequence of the COL1A1 protein. This variant is not present in population databases (gnomAD no frequency). This variant has been observed in individual(s) with osteogenesis imperfecta (internal data). ClinVar contains an entry for this variant (Variation ID: 1499961). Algorithms developed to predict the effect of sequence changes on RNA splicing suggest that this variant may disrupt the consensus splice site. In summary, the available evidence is currently insufficient to determine the role of this variant in disease. Therefore, it has been classified as a Variant of Uncertain Significance.